The following is an entry in ClinVar:

ClinVar aggregate classification (germline): Conflicting classifications of pathogenicity. Review status: criteria provided, conflicting classifications (1 of 4 stars). 9 submissions from 5 submitters: Uncertain significance (7); Benign (1); Likely benign (1). Last evaluated 2023-03-16.

Conditions:
Cardiovascular phenotype. Identifiers: MedGen CN230736.
TTN-related myopathy. Identifiers: MedGen CN294812, MONDO:0100175.
Early-onset myopathy with fatal cardiomyopathy (CMYO5). Also called: CONGENITAL MYOPATHY 5 WITH CARDIOMYOPATHY; Salih Myopathy. Identifiers: Orphanet 289377, MedGen C2673677, MONDO:0012714, OMIM 611705. Disease mechanism: loss of function.
Myopathy, myofibrillar, 9, with early respiratory failure (MFM9). Also called: MYOPATHY, PROXIMAL, WITH EARLY RESPIRATORY MUSCLE INVOLVEMENT; Myopathy, distal, with early respiratory failure, autosomal dominant; Hereditary myopathy with early respiratory failure; EDSTROM MYOPATHY. Identifiers: Orphanet 178464, Orphanet 34521, MedGen C1863599, MONDO:0011362, OMIM 603689.
Autosomal recessive limb-girdle muscular dystrophy type 2J (LGMDR10). Also called: Limb-girdle muscular dystrophy, type 2J; MUSCULAR DYSTROPHY, LIMB-GIRDLE, AUTOSOMAL RECESSIVE 10. Identifiers: Orphanet 140922, MedGen C1837342, MONDO:0012127, OMIM 608807.
Tibial muscular dystrophy (TMD). Also called: Tibial muscular dystrophy, tardive; UDD MYOPATHY; Udd Distal Myopathy – Tibial Muscular Dystrophy. Identifiers: Orphanet 609, MedGen C1838244, MONDO:0010870, OMIM 600334.
Dilated cardiomyopathy 1G (CMD1G). Identifiers: Orphanet 154, MedGen C1858763, MONDO:0011400, OMIM 604145.

Allele frequency attached by ClinVar (database versions not stated): gnomAD 0.00001; gnomAD exomes 0.00006 and 0.00008; ExAC 0.00007.
gnomAD v4.1: 86 of 1,613,608 alleles (0.0053%); highest among the groups gnomAD compares: South Asian, 0.068%; 2 homozygotes.

Submissions (9):

Women's Health and Genetics/Laboratory Corporation of America, LabCorp
Classification: Uncertain significance. Last evaluated: 2023-03-16. Review status: criteria provided, single submitter. Criteria: LabCorp Variant Classification Summary - May 2015. Collection method: clinical testing. Allele origin: germline.
Comment: Variant summary: TTN c.86925A>G (p.Ile28975Met) results in a conservative amino acid change located in the A band region of the encoded protein sequence. Two of four in-silico tools predict a benign effect of the variant on protein function. The variant allele was found at a frequency of 7.7e-05 in 247874 control chromosomes in the gnomAD database, including 1 homozygotes suggesting a benign role for this variant. c.86925A>G has been reported in the literature in individuals affected with cardio myopathy and epilepsy (example: Pugh_2014 and Allen_2021). At-least one of these reports classified the variant as VUS (Pugh_2014). These report(s) do not provide unequivocal conclusions about association of the variant with Limb-Girdle Muscular Dystrophy, Type 2J. To our knowledge, no experimental evidence demonstrating an impact on protein function has been reported. One diagnostic laboratories have submitted clinical-significance assessments for this variant to ClinVar after 2014 and classified the variant as uncertain significance. Based on the evidence outlined above, the variant was classified as uncertain significance.

Victorian Clinical Genetics Services, Murdoch Childrens Research Institute
Classification: Uncertain significance for TTN-related myopathy. Last evaluated: 2021-05-06. Review status: criteria provided, single submitter. Criteria: ACMG Guidelines, 2015. Collection method: clinical testing. Allele origin: germline. Affected: yes.
Comment: Based on the classification scheme VCGS_Germline_v1.3.4, this variant is classified as a VUS-3B. Following criteria are met: 0102 - Loss-of-function is a known mechanism of disease for this gene. (I) 0104 - Dominant Negative is likely a mechanism of disease for this gene since not all truncated transcripts in dilated cardiomyopathy (DCM) undergo nonsense mediated decay (PMID: 25589632). (I) 0108 - This gene is known to be associated with both recessive and dominant disease (OMIM). (I) 0112 - Variants in this gene are known to have reduced penetrance of PTC variants in DCM (PMID: 25589632). (I) 0200 - Variant is predicted to result in a missense amino acid change from isoleucine to methionine (exon 341). (I) 0251 - Variant is heterozygous. (I) 0304 - Variant is present in gnomAD v2 <0.01 for a recessive condition (17 heterozygotes, 1 homozygote). (SP) 0309 - An alternative amino acid change at the same position has been observed in gnomAD v3 (2 heterozygotes, 0 homozygotes). (I) 0503 - Missense variant is not conserved in mammals with a minor amino acid change. (SB) 0601 - Variant affects at least one well-established (essential) functional domain or motif. Variant located in A band, PSI=1 (PMID: 25589632). (I) 0705 - No comparable variants have previous evidence for pathogenicity. However, a different variant in the same codon resulting in a change to a valine has been reported as VUS (ClinVar). (I) 0804 - Variant has previously been described as variant of uncertain significance in multiple independent cases with inconsistent phenotypes (ClinVar, PMID: 24503780). (I) 0905 - No segregation evidence has been identified for this variant. (I) 1007 - No published functional evidence has been identified for this variant. (I) Legend: (SP) - Supporting pathogenic, (I) - Information, (SB) - Supporting benign

Illumina Laboratory Services, Illumina
Classification: Uncertain significance for Early-onset myopathy with fatal cardiomyopathy. Last evaluated: 2018-01-12. Review status: criteria provided, single submitter. Criteria: ICSL Variant Classification Criteria 13 December 2019. Collection method: clinical testing. Allele origin: germline.

Illumina Laboratory Services, Illumina
Classification: Likely benign for Myopathy, myofibrillar, 9, with early respiratory failure. Last evaluated: 2018-01-12. Review status: criteria provided, single submitter. Criteria: ICSL Variant Classification Criteria 13 December 2019. Collection method: clinical testing. Allele origin: germline.
Comment: This variant was observed in the ICSL laboratory as part of a predisposition screen in an ostensibly healthy population. It had not been previously curated by ICSL or reported in the Human Gene Mutation Database (HGMD: prior to June 1st, 2018), and was therefore a candidate for classification through an automated scoring system. Utilizing variant allele frequency, disease prevalence and penetrance estimates, and inheritance mode, an automated score was calculated to assess if this variant is too frequent to cause the disease. Based on the score and internal cut-off values, a variant classified as likely benign is not then subjected to further curation. The score for this variant resulted in a classification of likely benign for this disease.

Illumina Laboratory Services, Illumina
Classification: Benign for Tibial muscular dystrophy. Last evaluated: 2018-01-12. Review status: criteria provided, single submitter. Criteria: ICSL Variant Classification Criteria 13 December 2019. Collection method: clinical testing. Allele origin: germline.
Comment: This variant was observed in the ICSL laboratory as part of a predisposition screen in an ostensibly healthy population. It had not been previously curated by ICSL or reported in the Human Gene Mutation Database (HGMD: prior to June 1st, 2018), and was therefore a candidate for classification through an automated scoring system. Utilizing variant allele frequency, disease prevalence and penetrance estimates, and inheritance mode, an automated score was calculated to assess if this variant is too frequent to cause the disease. Based on the score and internal cut-off values, a variant classified as benign is not then subjected to further curation. The score for this variant resulted in a classification of benign for this disease.

Illumina Laboratory Services, Illumina
Classification: Uncertain significance for Autosomal recessive limb-girdle muscular dystrophy type 2J. Last evaluated: 2018-01-12. Review status: criteria provided, single submitter. Criteria: ICSL Variant Classification Criteria 13 December 2019. Collection method: clinical testing. Allele origin: germline.

Illumina Laboratory Services, Illumina
Classification: Uncertain significance for Dilated cardiomyopathy 1G. Last evaluated: 2018-01-12. Review status: criteria provided, single submitter. Criteria: ICSL Variant Classification Criteria 13 December 2019. Collection method: clinical testing. Allele origin: germline.

Ambry Genetics
Classification: Uncertain significance for Cardiovascular phenotype. Last evaluated: 2013-02-07. Review status: criteria provided, single submitter. Criteria: Ambry Autosomal Dominant and X-Linked criteria (10/2015). Collection method: clinical testing. Allele origin: germline. Observed: 1 variant allele.
Comment: There is insufficient or conflicting evidence for classification of this alteration.

Laboratory for Molecular Medicine, Mass General Brigham Personalized Medicine
Classification: Uncertain significance. Last evaluated: 2012-10-02. Review status: criteria provided, single submitter. Criteria: LMM Criteria. Collection method: clinical testing. Allele origin: germline. Observed: 1 variant allele.
Comment: The Ile28975Met variant in TTN has not been reported in the literature nor previ ously identified by our laboratory. Computational analyses (biochemical amino ac id properties, conservation, AlignGVGD, and PolyPhen2) suggest that the variant may not impact the protein, though this information is not predictive enough to rule out pathogenicity. Additional information is needed to fully assess the cli nical significance of this variant.

Literature cited by the submitters: PubMed 24503780 (cited by Women's Health and Genetics/Laboratory Corporation of America, LabCorp and Victorian Clinical Genetics Services, Murdoch Childrens Research Institute); PubMed 25589632 (cited by Victorian Clinical Genetics Services, Murdoch Childrens Research Institute).

NM_001267550.2(TTN):c.94629A>G (p.Ile31543Met)

Genes: TTN (titin; minus strand), TTN-AS1 (TTN antisense RNA 1; plus strand). Cytogenetic location: 2q31.2.
Variant type: single nucleotide variant.
Coding change: c.94629A>G on transcript NM_001267550.2 (MANE Select); coding-DNA position 94629, A replaced by G.
Protein change: p.Ile31543Met; replaces isoleucine 31543 with methionine.
Molecular consequence: missense variant.
Genome position (GRCh38, 1-based): chr2:178,546,799, T>C on the plus strand (A>G on the coding strand, the complement: TTN is on the minus strand). VCF-style: chr2-178546799-T-C. GRCh37 (hg19) VCF-style: chr2-179411526-T-C.
Other names: c.86925A>G, p.Ile28975Met (NM_133378.4); c.89706A>G, p.Ile29902Met (NM_001256850.1); c.67434A>G, p.Ile22478Met (NM_003319.4); c.67809A>G, p.Ile22603Met (NM_133432.3); c.68010A>G, p.Ile22670Met (NM_133437.4); c.94629A>G (NM_001267550.1); short protein forms I31543M, I28975M, I22478M, I22670M, I22603M, I29902M.
Identifiers: ClinVar variation 47542 (VCV000047542.13), dbSNP rs397517759, ClinGen allele CA141305.